The following is an entry in ClinVar:

NM_020964.3(EPG5):c.31_33delinsACG (p.Ala11Thr)

Gene: EPG5 (ectopic P-granules 5 autophagy tethering factor; minus strand). Cytogenetic location: 18q21.1.
Variant type: Indel.
Coding change: c.31_33delinsACG on transcript NM_020964.3 (MANE Select); coding-DNA positions 31 to 33, GCC replaced by ACG.
Protein change: p.Ala11Thr; replaces alanine 11 with threonine.
Molecular consequence: missense variant.
Genome position (GRCh38, 1-based): chr18:45,967,207-45,967,209, GGC replaced by CGT on the plus strand (GCC replaced by ACG on the coding strand, the reverse complement: EPG5 is on the minus strand). VCF-style: chr18-45967207-GGC-CGT. GRCh37 (hg19) VCF-style: chr18-43547173-GGC-CGT.
Other names: c.31_33delinsACG, p.Ala11Thr (LRG_1234t1); c.31_33delGCCinsACG (NM_020964.2); short protein forms A11T.
Identifiers: ClinVar variation 504390 (VCV000504390.4), dbSNP rs1555683798, ClinGen allele CA658799050.

ClinVar aggregate classification (germline): Uncertain significance (1 of 4 stars; one submission).

Submission:

GeneDx
Classification: Uncertain significance. Last evaluated: 2024-02-02. Review status: criteria provided, single submitter. Criteria: GeneDx Variant Classification Process June 2021. Collection method: clinical testing. Allele origin: germline. Affected: yes.
Comment: Not observed at significant frequency in large population cohorts (gnomAD); In silico analysis supports that this variant does not alter protein structure/function; Has not been previously published as pathogenic or benign to our knowledge